The following is an entry in ClinVar:

NM_000538.4(RFXAP):c.331C>A (p.Leu111Ile)

Gene: RFXAP (regulatory factor X associated protein; plus strand). Cytogenetic location: 13q13.3.
Variant type: single nucleotide variant.
Coding change: c.331C>A on transcript NM_000538.4 (MANE Select); coding-DNA position 331, C replaced by A.
Protein change: p.Leu111Ile; replaces leucine 111 with isoleucine.
Molecular consequence: missense variant.
Genome position (GRCh38, 1-based): chr13:36,819,688, C>A. VCF-style: chr13-36819688-C-A. GRCh37 (hg19) VCF-style: chr13-37393825-C-A.
Other names: short protein forms L111I.
Identifiers: ClinVar variation 1717536 (VCV001717536.5), dbSNP rs2500443361, ClinGen allele CA387854797.

ClinVar aggregate classification (germline): Uncertain significance (1 of 4 stars; one submission).

Conditions:
MHC class II deficiency. Also called: Bare lymphocyte syndrome 2; BLS, TYPE II. Identifiers: Orphanet 572, MedGen C5447452, MONDO:0008855.

Submission:

Labcorp Genetics (formerly Invitae), Labcorp
Classification: Uncertain significance for MHC class II deficiency. Last evaluated: 2022-08-22. Review status: criteria provided, single submitter. Criteria: Invitae Variant Classification Sherloc (09022015). Collection method: clinical testing. Allele origin: germline.
Comment: This sequence change replaces leucine, which is neutral and non-polar, with isoleucine, which is neutral and non-polar, at codon 111 of the RFXAP protein (p.Leu111Ile). This variant is not present in population databases (gnomAD no frequency). This variant has not been reported in the literature in individuals affected with RFXAP-related conditions. Algorithms developed to predict the effect of missense changes on protein structure and function are either unavailable or do not agree on the potential impact of this missense change (SIFT: "Deleterious"; PolyPhen-2: "Probably Damaging"; Align-GVGD: "Class C0"). In summary, the available evidence is currently insufficient to determine the role of this variant in disease. Therefore, it has been classified as a Variant of Uncertain Significance.